The following is an entry in ClinVar:

ClinVar aggregate classification (germline): Uncertain significance (1 of 4 stars; one submission).

Conditions:
Inborn genetic diseases. Identifiers: MedGen C0950123, MeSH D030342.

Allele frequency attached by ClinVar (database versions not stated): gnomAD exomes below 0.00001.
gnomAD v4.1: 1 of 1,613,578 alleles (0.000062%); highest among the groups gnomAD compares: Non-Finnish European, 0.000085%; no homozygotes.

Submission:

Ambry Genetics
Classification: Uncertain significance for Inborn genetic diseases. Last evaluated: 2023-05-11. Review status: criteria provided, single submitter. Criteria: Ambry Variant Classification Scheme 2023. Collection method: clinical testing. Allele origin: germline.
Comment: The p.P850L variant (also known as c.2549C>T), located in coding exon 16 of the CDH2 gene, results from a C to T substitution at nucleotide position 2549. The proline at codon 850 is replaced by leucine, an amino acid with similar properties. This amino acid position is conserved. In addition, this alteration is predicted to be deleterious by in silico analysis. Since supporting evidence is limited at this time, the clinical significance of this alteration remains unclear.

NM_001792.5(CDH2):c.2549C>T (p.Pro850Leu)

Genes: CDH2 (cadherin 2; minus strand), CDH2-AS1 (CDH2 antisense RNA 1; plus strand). Cytogenetic location: 18q12.1.
Variant type: single nucleotide variant.
Coding change: c.2549C>T on transcript NM_001792.5 (MANE Select); coding-DNA position 2549, C replaced by T.
Protein change: p.Pro850Leu; replaces proline 850 with leucine.
Molecular consequence: missense variant.
Genome position (GRCh38, 1-based): chr18:27,952,325, G>A on the plus strand (C>T on the coding strand, the complement: CDH2 is on the minus strand). VCF-style: chr18-27952325-G-A. GRCh37 (hg19) VCF-style: chr18-25532289-G-A.
Other names: c.2456C>T, p.Pro819Leu (NM_001308176.2); short protein forms P819L, P850L.
Identifiers: ClinVar variation 2565604 (VCV002565604.2), dbSNP rs2510768544, ClinGen allele CA402101537.